The following is an entry in ClinVar:

NM_004448.4(ERBB2):c.100C>T (p.Arg34Trp)

Gene: ERBB2 (erb-b2 receptor tyrosine kinase 2; plus strand). Cytogenetic location: 17q12.
Variant type: single nucleotide variant.
Coding change: c.100C>T on transcript NM_004448.4 (MANE Select); coding-DNA position 100, C replaced by T.
Protein change: p.Arg34Trp; replaces arginine 34 with tryptophan.
Molecular consequence: missense variant. On other transcripts: non-coding transcript variant (1), intron variant (1).
Genome position (GRCh38, 1-based): chr17:39,707,016, C>T. VCF-style: chr17-39707016-C-T. GRCh37 (hg19) VCF-style: chr17-37863269-C-T.
Other names: c.10C>T, p.Arg4Trp (NM_001005862.3, NM_001289938.2, NM_001382782.1 and 1 more transcripts); c.55C>T, p.Arg19Trp (NM_001289936.2); c.100C>T, p.Arg34Trp (NM_001289937.2, NM_001382784.1, NM_001382785.1 and 20 more transcripts); c.74-4912C>T (NM_001382804.1); short protein forms R19W, R4W, R34W.
Identifiers: ClinVar variation 2144187 (VCV002144187.4), dbSNP rs149937802, ClinGen allele CA8533535.

ClinVar aggregate classification (germline): Uncertain significance (1 of 4 stars; one submission).

Allele frequency attached by ClinVar (database versions not stated): TOPMed 0.00006; gnomAD 0.00007; ExAC 0.00009; gnomAD exomes 0.00010; ESP Exome Variant Server 0.00015.
gnomAD v4.1: 152 of 1,595,412 alleles (0.0095%); highest among the groups gnomAD compares: Non-Finnish European, 0.012%; no homozygotes.

Submission:

Labcorp Genetics (formerly Invitae), Labcorp
Classification: Uncertain significance. Last evaluated: 2023-05-23. Review status: criteria provided, single submitter. Criteria: Invitae Variant Classification Sherloc (09022015). Collection method: clinical testing. Allele origin: germline.
Comment: ClinVar contains an entry for this variant (Variation ID: 2144187). This variant has not been reported in the literature in individuals affected with ERBB2-related conditions. This variant is present in population databases (rs149937802, gnomAD 0.02%). This sequence change replaces arginine, which is basic and polar, with tryptophan, which is neutral and slightly polar, at codon 34 of the ERBB2 protein (p.Arg34Trp). In summary, the available evidence is currently insufficient to determine the role of this variant in disease. Therefore, it has been classified as a Variant of Uncertain Significance. Advanced modeling of protein sequence and biophysical properties (such as structural, functional, and spatial information, amino acid conservation, physicochemical variation, residue mobility, and thermodynamic stability) performed at Invitae indicates that this missense variant is expected to disrupt ERBB2 protein function.